The following is an entry in ClinVar:

ClinVar aggregate classification (germline): Uncertain significance. Review status: criteria provided, multiple submitters, no conflicts (2 of 4 stars). 3 submissions from 3 submitters: Uncertain significance (3). Last evaluated 2025-04-01.

Conditions:
Osteogenesis imperfecta type I (OI1). Also called: Lobstein's Disease; Osteogenesis imperfecta type 1; OI, TYPE I; OSTEOGENESIS IMPERFECTA TARDA; OSTEOGENESIS IMPERFECTA WITH BLUE SCLERAE; Lobstein disease. Identifiers: Orphanet 216796, Orphanet 666, MedGen C0023931, MONDO:0008146, OMIM 166200. Disease mechanism: loss of function.
Ehlers-Danlos syndrome, classic type, 1 (EDSCL1). Also called: Ehlers-Danlos syndrome, type 1; EDS I; EHLERS-DANLOS SYNDROME, GRAVIS TYPE; EHLERS-DANLOS SYNDROME, SEVERE CLASSIC TYPE; Ehlers-Danlos Syndrome, Classic Type, COL5A1-Related. Identifiers: MedGen C0268335, MONDO:0019567, OMIM 130000.

Allele frequency attached by ClinVar (database versions not stated): gnomAD exomes 0.00001 and 0.00003; TOPMed 0.00001; ExAC 0.00005.
gnomAD v4.1: 16 of 1,614,102 alleles (0.00099%); highest among the groups gnomAD compares: Non-Finnish European, 0.0012%; no homozygotes.

Submissions (3):

Labcorp Genetics (formerly Invitae), Labcorp
Classification: Uncertain significance for Osteogenesis imperfecta type I; Ehlers-Danlos syndrome, classic type, 1. Last evaluated: 2025-04-01. Review status: criteria provided, single submitter. Criteria: Invitae Variant Classification Sherloc (09022015). Collection method: clinical testing. Allele origin: germline.
Comment: This sequence change replaces arginine, which is basic and polar, with glutamine, which is neutral and polar, at codon 519 of the COL1A2 protein (p.Arg519Gln). This variant is present in population databases (rs201768205, gnomAD 0.005%). This variant has not been reported in the literature in individuals affected with COL1A2-related conditions. ClinVar contains an entry for this variant (Variation ID: 1039535). Experimental studies and prediction algorithms are not available or were not evaluated, and the functional significance of this variant is currently unknown. In summary, the available evidence is currently insufficient to determine the role of this variant in disease. Therefore, it has been classified as a Variant of Uncertain Significance.

GeneDx
Classification: Uncertain significance. Last evaluated: 2023-10-16. Review status: criteria provided, single submitter. Criteria: GeneDx Variant Classification Process June 2021. Collection method: clinical testing. Allele origin: germline. Affected: yes.
Comment: In silico analysis supports that this missense variant does not alter protein structure/function; Has not been previously published as pathogenic or benign to our knowledge; Occurs in the triple helical domain at the Y position in the canonical Gly-X-Y repeat; although this variant may have an effect on normal protein folding and function, missense substitution at the Y position is not a common mechanism of disease (HGMD)

Blueprint Genetics
Classification: Uncertain significance. Last evaluated: 2021-08-19. Review status: criteria provided, single submitter. Criteria: ACMG Guidelines, 2015. Collection method: clinical testing. Allele origin: germline.

NM_000089.4(COL1A2):c.1556G>A (p.Arg519Gln)

Gene: COL1A2 (collagen type I alpha 2 chain; plus strand). Cytogenetic location: 7q21.3.
Variant type: single nucleotide variant.
Coding change: c.1556G>A on transcript NM_000089.4 (MANE Select); coding-DNA position 1556, G replaced by A.
Protein change: p.Arg519Gln; replaces arginine 519 with glutamine.
Molecular consequence: missense variant.
Genome position (GRCh38, 1-based): chr7:94,413,135, G>A. VCF-style: chr7-94413135-G-A. GRCh37 (hg19) VCF-style: chr7-94042447-G-A.
Other names: c.1556G>A (NM_000089.3); short protein forms R519Q.
Identifiers: ClinVar variation 1039535 (VCV001039535.12), dbSNP rs201768205, ClinGen allele CA4347100.